The following is an entry in ClinVar:

ClinVar aggregate classification (germline): Uncertain significance (1 of 4 stars; one submission).

Allele frequency attached by ClinVar (database versions not stated): gnomAD exomes below 0.00001; ExAC 0.00002.
gnomAD v4.1: 6 of 1,611,450 alleles (0.00037%); highest among the groups gnomAD compares: African/African-American, 0.0013%; no homozygotes.

Submission:

Labcorp Genetics (formerly Invitae), Labcorp
Classification: Uncertain significance. Last evaluated: 2022-06-08. Review status: criteria provided, single submitter. Criteria: Invitae Variant Classification Sherloc (09022015). Collection method: clinical testing. Allele origin: germline.
Comment: This sequence change replaces threonine, which is neutral and polar, with alanine, which is neutral and non-polar, at codon 422 of the PLAA protein (p.Thr422Ala). In summary, the available evidence is currently insufficient to determine the role of this variant in disease. Therefore, it has been classified as a Variant of Uncertain Significance. Algorithms developed to predict the effect of missense changes on protein structure and function (SIFT, PolyPhen-2, Align-GVGD) all suggest that this variant is likely to be tolerated. This variant has not been reported in the literature in individuals affected with PLAA-related conditions. This variant is present in population databases (rs748934424, gnomAD 0.003%).

NM_001031689.3(PLAA):c.1264A>G (p.Thr422Ala)

Gene: PLAA (phospholipase A2 activating protein; minus strand). Cytogenetic location: 9p21.2.
Variant type: single nucleotide variant.
Coding change: c.1264A>G on transcript NM_001031689.3 (MANE Select); coding-DNA position 1264, A replaced by G.
Protein change: p.Thr422Ala; replaces threonine 422 with alanine.
Molecular consequence: missense variant.
Genome position (GRCh38, 1-based): chr9:26,919,463, T>C on the plus strand (A>G on the coding strand, the complement: PLAA is on the minus strand). VCF-style: chr9-26919463-T-C. GRCh37 (hg19) VCF-style: chr9-26919461-T-C.
Other names: c.1264A>G, p.Thr422Ala (NM_001321546.2); short protein forms T422A.
Identifiers: ClinVar variation 1926714 (VCV001926714.5), dbSNP rs748934424, ClinGen allele CA5014422.
Genomic context (GRCh38, chr9:26,919,463, plus strand): 5'-TAGGATTCAAATCATTCTTCTGTAAGAAGTTGTATGCAGTTAACCAAGGGTCATCACTGG[T>C]ATTATATGGCAATTTATATGATGGTCCACCTTCATTGACATCAATTGAGAAAACATAATC-3'
Protein context (NP_001026859.1, residues 412-432): GGPSYKLPYN[Thr422Ala]SDDPWLTAYN